The following is an entry in ClinVar:

ClinVar aggregate classification (germline): Pathogenic/Likely pathogenic. Review status: criteria provided, multiple submitters, no conflicts (2 of 4 stars). 2 submissions from 2 submitters: Pathogenic (1); Likely pathogenic (1). Last evaluated 2025-10-01.

Conditions:
Tuberous sclerosis 2 (TSC2). Identifiers: Orphanet 805, MedGen C1860707, MONDO:0013199, OMIM 613254.

Submissions (2):

Labcorp Genetics (formerly Invitae), Labcorp
Classification: Pathogenic for Tuberous sclerosis 2. Last evaluated: 2025-10-01. Review status: criteria provided, single submitter. Criteria: Invitae Variant Classification Sherloc (09022015). Collection method: clinical testing. Allele origin: germline.
Comment: This sequence change affects a donor splice site in intron 35 of the TSC2 gene. It is expected to disrupt RNA splicing. Variants that disrupt the donor or acceptor splice site typically lead to a loss of protein function (PMID: 16199547), and loss-of-function variants in TSC2 are known to be pathogenic (PMID: 10205261, 17304050). This variant is not present in population databases (gnomAD no frequency). Disruption of this splice site has been observed in individual(s) with tuberous sclerosis complex (PMID: 29476190, 31525612). ClinVar contains an entry for this variant (Variation ID: 2674428). Algorithms developed to predict the effect of sequence changes on RNA splicing suggest that this variant may disrupt the consensus splice site. For these reasons, this variant has been classified as Pathogenic.

Myriad Genetics, Inc.
Classification: Likely pathogenic for Tuberous sclerosis 2. Last evaluated: 2023-09-19. Review status: criteria provided, single submitter. Criteria: Myriad Autosomal Dominant, Autosomal Recessive and X-Linked Classification Criteria (2023). Collection method: clinical testing. Allele origin: unknown.
Comment: This variant is considered likely pathogenic. This variant occurs within a consensus splice junction and is predicted to result in abnormal mRNA splicing of either an out-of-frame exon or an in-frame exon necessary for protein stability and/or normal function.

Literature cited by the submitters: PubMed 16199547 (cited by Labcorp Genetics (formerly Invitae), Labcorp); PubMed 10205261 (cited by Labcorp Genetics (formerly Invitae), Labcorp); PubMed 17304050 (cited by Labcorp Genetics (formerly Invitae), Labcorp); PubMed 29476190 (cited by Labcorp Genetics (formerly Invitae), Labcorp); PubMed 31525612 (cited by Labcorp Genetics (formerly Invitae), Labcorp).

NM_000548.5(TSC2):c.4569+2T>C

Gene: TSC2 (TSC complex subunit 2; plus strand). Cytogenetic location: 16p13.3.
Variant type: single nucleotide variant.
Coding change: c.4569+2T>C on transcript NM_000548.5 (MANE Select); the canonical splice donor site of the intron after coding-DNA position 4569, T replaced by C.
Molecular consequence: splice donor variant.
Genome position (GRCh38, 1-based): chr16:2,085,028, T>C. VCF-style: chr16-2085028-T-C. GRCh37 (hg19) VCF-style: chr16-2135029-T-C.
Other names: c.4260+2T>C (NM_001318827.2); c.3027+2T>C (NM_001406693.1, NM_001406692.1, NM_001406694.1); c.4461+2T>C (NM_001406667.1); c.4458+2T>C (NM_001406668.1); c.3969+2T>C (NM_001406680.1); c.4257+2T>C (NM_001406678.1); c.3900+2T>C (NM_001406682.1, NM_001406683.1); c.3897+2T>C (NM_001406684.1); and 26 more.
Identifiers: ClinVar variation 2674428 (VCV002674428.4), dbSNP rs1555514984, ClinGen allele CA394303140.
Genomic context (GRCh38, chr16:2,085,028, plus strand): 5'-TCTACCATTCCCCCTTCTTTGGCGACGAGTCAAACAAGCCAATCCTGCTGCCCAATGAGG[T>C]AGGCGTGGCCTCCCTCTCCTGCATCCGCTGGAGCTGTGTGGCTCGGGTGAATGGTGGGGG-3'